The following is an entry in ClinVar:

NM_000535.7(PMS2):c.705G>C (p.Gln235His)

Gene: PMS2 (PMS1 homolog 2, mismatch repair system component; minus strand). Cytogenetic location: 7p22.1.
Variant type: single nucleotide variant.
Coding change: c.705G>C on transcript NM_000535.7 (MANE Select); coding-DNA position 705, G replaced by C.
Protein change: p.Gln235His; replaces glutamine 235 with histidine.
Molecular consequence: missense variant. On other transcripts: 5 prime UTR variant (2), non-coding transcript variant (1), intron variant (1).
Genome position (GRCh38, 1-based): chr7:5,999,108, C>G on the plus strand (G>C on the coding strand, the complement: PMS2 is on the minus strand). VCF-style: chr7-5999108-C-G. GRCh37 (hg19) VCF-style: chr7-6038739-C-G.
Other names: c.300G>C, p.Gln100His (NM_001322003.2, NM_001322004.2, NM_001322005.2 and 2 more transcripts); c.705G>C, p.Gln235His (NM_001322006.2, NM_001322014.2); c.387G>C, p.Gln129His (NM_001322007.2, NM_001322008.2); c.-229G>C (NM_001322011.2, NM_001322012.2); c.396G>C, p.Gln132His (NM_001322015.2); c.133-1685G>C (NM_001322013.2); short protein forms Q100H, Q132H, Q235H, Q129H.
Identifiers: ClinVar variation 933832 (VCV000933832.12), dbSNP rs876660872, ClinGen allele CA366743808.

ClinVar aggregate classification (germline): Conflicting classifications of pathogenicity. Review status: criteria provided, conflicting classifications (1 of 4 stars). 3 submissions from 3 submitters: Likely pathogenic (1); Uncertain significance (2). Last evaluated 2026-03-16.

Conditions:
Hereditary nonpolyposis colorectal neoplasms. Identifiers: MedGen C0009405, MeSH D003123.
Hereditary cancer-predisposing syndrome. Also called: Hereditary Cancer Syndrome; Neoplastic Syndromes, Hereditary; Tumor predisposition; Hereditary neoplastic syndrome. Identifiers: Orphanet 140162, MedGen C0027672, MeSH D009386, MONDO:0015356.
Lynch syndrome 4 (LYNCH4). Also called: Hereditary non-polyposis colorectal cancer, type 4; Colorectal cancer, hereditary nonpolyposis, type 4. Identifiers: Orphanet 144, MedGen C1838333, MONDO:0013699, OMIM 614337. Disease mechanism: loss of function.

Submissions (3):

Ambry Genetics
Classification: Uncertain significance for Hereditary cancer-predisposing syndrome. Last evaluated: 2026-03-16. Review status: criteria provided, single submitter. Criteria: Ambry Variant Classification Scheme 2023. Collection method: clinical testing. Allele origin: germline.
Comment: The p.Q235H variant (also known as c.705G>C), located in coding exon 6 of the PMS2 gene, results from a G to C substitution at nucleotide position 705. The glutamine at codon 235 is replaced by histidine, an amino acid with highly similar properties. However, this change occurs in the last base pair of coding exon 6, which makes it likely to have some effect on normal mRNA splicing. This nucleotide position is highly conserved in available vertebrate species. This amino acid position is highly conserved in available vertebrate species. In silico splice site analysis predicts that this alteration will weaken the native splice donor site. In addition, this alteration is predicted to be deleterious by in silico analysis. In addition, as a missense substitution this is predicted to be deleterious by in silico analysis. Based on the available evidence, the clinical significance of this variant remains unclear.

Myriad Genetics, Inc.
Classification: Likely pathogenic for Lynch syndrome 4. Last evaluated: 2025-01-10. Review status: criteria provided, single submitter. Criteria: Myriad Autosomal Dominant, Autosomal Recessive and X-Linked Classification Criteria (2023). Collection method: clinical testing. Allele origin: unknown.
Comment: This variant is considered likely pathogenic. mRNA analysis has demonstrated abnormal mRNA splicing occurs [Myriad internal data].

Labcorp Genetics (formerly Invitae), Labcorp
Classification: Uncertain significance for Hereditary nonpolyposis colorectal neoplasms. Last evaluated: 2021-09-15. Review status: criteria provided, single submitter. Criteria: Invitae Variant Classification Sherloc (09022015). Collection method: clinical testing. Allele origin: germline.
Comment: This variant is not present in population databases (ExAC no frequency). Variants that disrupt the consensus splice site are a relatively common cause of aberrant splicing (PMID: 17576681, 9536098). Algorithms developed to predict the effect of sequence changes on RNA splicing suggest that this variant may disrupt the consensus splice site. In summary, the available evidence is currently insufficient to determine the role of this variant in disease. Therefore, it has been classified as a Variant of Uncertain Significance. This variant has not been reported in the literature in individuals affected with PMS2-related conditions. Algorithms developed to predict the effect of missense changes on protein structure and function are either unavailable or do not agree on the potential impact of this missense change (SIFT: "Deleterious"; PolyPhen-2: "Probably Damaging"; Align-GVGD: "Class C15"). This sequence change replaces glutamine with histidine at codon 235 of the PMS2 protein (p.Gln235His). The glutamine residue is highly conserved and there is a small physicochemical difference between glutamine and histidine. This variant also falls at the last nucleotide of exon 6, which is part of the consensus splice site for this exon.

Literature cited by the submitters: PubMed 17576681 (cited by Labcorp Genetics (formerly Invitae), Labcorp); PubMed 9536098 (cited by Labcorp Genetics (formerly Invitae), Labcorp).